The following is an entry in ClinVar:

NM_001376.5(DYNC1H1):c.13812+6G>A

Gene: DYNC1H1 (dynein cytoplasmic 1 heavy chain 1; plus strand). Cytogenetic location: 14q32.31.
Variant type: single nucleotide variant.
Coding change: c.13812+6G>A on transcript NM_001376.5 (MANE Select); 6 bases into the intron after coding-DNA position 13812, G replaced by A.
Molecular consequence: intron variant.
Genome position (GRCh38, 1-based): chr14:102,050,204, G>A. VCF-style: chr14-102050204-G-A. GRCh37 (hg19) VCF-style: chr14-102516541-G-A.
Identifiers: ClinVar variation 1011727 (VCV001011727.6), dbSNP rs1258593391, ClinGen allele CA703188527.

ClinVar aggregate classification (germline): Uncertain significance (1 of 4 stars; one submission).

Conditions:
Charcot-Marie-Tooth disease axonal type 2O. Also called: Charcot-Marie-Tooth disease, axonal, type 20; CHARCOT-MARIE-TOOTH NEUROPATHY, AXONAL, TYPE 2O; CHARCOT-MARIE-TOOTH DISEASE, AXONAL, AUTOSOMAL DOMINANT, TYPE 2O; Charcot-Marie-Tooth Neuropathy Type 2O. Identifiers: Orphanet 284232, MedGen C3280220, MONDO:0013644, OMIM 614228.

Allele frequency attached by ClinVar (database versions not stated): gnomAD exomes below 0.00001; gnomAD 0.00001; TOPMed 0.00001.
gnomAD v4.1: 2 of 1,613,898 alleles (0.00012%); highest among the groups gnomAD compares: Non-Finnish European, 0.00017%; no homozygotes.

Submission:

Labcorp Genetics (formerly Invitae), Labcorp
Classification: Uncertain significance for Charcot-Marie-Tooth disease axonal type 2O. Last evaluated: 2020-09-01. Review status: criteria provided, single submitter. Criteria: Invitae Variant Classification Sherloc (09022015). Collection method: clinical testing. Allele origin: germline.
Comment: This variant is not present in population databases (ExAC no frequency). This sequence change falls in intron 77 of the DYNC1H1 gene. It does not directly change the encoded amino acid sequence of the DYNC1H1 protein, but it affects a nucleotide within the consensus splice site of the intron. This variant has not been reported in the literature in individuals with DYNC1H1-related conditions. Nucleotide substitutions within the consensus splice site are a relatively common cause of aberrant splicing (PMID: 17576681, 9536098). Algorithms developed to predict the effect of sequence changes on RNA splicing suggest that this variant is not likely to affect RNA splicing, but this prediction has not been confirmed by published transcriptional studies. In summary, the available evidence is currently insufficient to determine the role of this variant in disease. Therefore, it has been classified as a Variant of Uncertain Significance.

Literature cited by the submitters: PubMed 17576681; PubMed 9536098.